The following is an entry in ClinVar:

NM_001035.3(RYR2):c.2190T>C (p.Leu730=)

Gene: RYR2 (ryanodine receptor 2; plus strand). Cytogenetic location: 1q43.
Variant type: single nucleotide variant.
Coding change: c.2190T>C on transcript NM_001035.3 (MANE Select); coding-DNA position 2190, T replaced by C.
Protein change: p.Leu730=; no amino-acid change (leucine 730 retained).
Molecular consequence: synonymous variant.
Genome position (GRCh38, 1-based): chr1:237,496,739, T>C. VCF-style: chr1-237496739-T-C. GRCh37 (hg19) VCF-style: chr1-237660039-T-C.
Identifiers: ClinVar variation 1675407 (VCV001675407.38), dbSNP rs991873417, ClinGen allele CA39825301.

ClinVar aggregate classification (germline): Likely benign. Review status: criteria provided, multiple submitters, no conflicts (2 of 4 stars). 2 submissions from 2 submitters: Likely benign (2). Last evaluated 2023-04-24.

Conditions:
Catecholaminergic polymorphic ventricular tachycardia 1. Also called: VENTRICULAR TACHYCARDIA, STRESS-INDUCED POLYMORPHIC 1; VENTRICULAR TACHYCARDIA, CATECHOLAMINERGIC POLYMORPHIC, 1, WITH OR WITHOUT ATRIAL DYSFUNCTION AND/OR DILATED CARDIOMYOPATHY; RYR2-Related Catecholaminergic Polymorphic Ventricular Tachycardia. Identifiers: Orphanet 3286, MedGen C1631597, MONDO:0011484, OMIM 604772.

Submissions (2):

Labcorp Genetics (formerly Invitae), Labcorp
Classification: Likely benign for Catecholaminergic polymorphic ventricular tachycardia 1. Last evaluated: 2023-04-24. Review status: criteria provided, single submitter. Criteria: Invitae Variant Classification Sherloc (09022015). Collection method: clinical testing. Allele origin: germline.

CeGaT Center for Human Genetics Tuebingen
Classification: Likely benign. Last evaluated: 2022-03-01. Review status: criteria provided, single submitter. Criteria: CeGaT Center For Human Genetics Tuebingen Variant Classification Criteria Version 2. Collection method: clinical testing. Allele origin: germline. Affected: yes. Observed: 1 variant allele.
Comment: RYR2: PM2:Supporting, BP4, BP7